The following is an entry in ClinVar:

NM_002474.3(MYH11):c.3505A>C (p.Arg1169=)

Gene: MYH11 (myosin heavy chain 11; minus strand). Cytogenetic location: 16p13.11.
Variant type: single nucleotide variant.
Coding change: c.3505A>C on transcript NM_002474.3 (MANE Select); coding-DNA position 3505, A replaced by C.
Protein change: p.Arg1169=; no amino-acid change (arginine 1169 retained).
Molecular consequence: synonymous variant.
Genome position (GRCh38, 1-based): chr16:15,735,367, T>G on the plus strand (A>C on the coding strand, the complement: MYH11 is on the minus strand). VCF-style: chr16-15735367-T-G. GRCh37 (hg19) VCF-style: chr16-15829224-T-G.
Other names: c.3526A>C, p.Arg1176= (NM_001040113.2, NM_001040114.2); c.3505A>C, p.Arg1169= (NM_022844.3); c.3526A>C (NM_001040113.1).
Identifiers: ClinVar variation 1175887 (VCV001175887.31), dbSNP rs2041086288, ClinGen allele CA493776823.

ClinVar aggregate classification (germline): Conflicting classifications of pathogenicity. Review status: criteria provided, conflicting classifications (1 of 4 stars). 3 submissions from 3 submitters: Uncertain significance (1); Likely benign (1). 1 of the submissions does not count toward it. Last evaluated 2023-01-01.

Conditions:
Aortic aneurysm, familial thoracic 4 (AAT4). Also called: AORTIC ANEURYSM/AORTIC DISSECTION AND PATENT DUCTUS ARTERIOSUS. Identifiers: MedGen C1851504, MONDO:0007568, OMIM 132900.
MYH11-related disorder. Also called: MYH11-related condition.

Submissions (3):

CeGaT Center for Human Genetics Tuebingen
Classification: Likely benign. Last evaluated: 2023-01-01. Review status: criteria provided, single submitter. Criteria: CeGaT Center For Human Genetics Tuebingen Variant Classification Criteria Version 2. Collection method: clinical testing. Allele origin: germline. Affected: yes. Observed: 2 variant alleles.
Comment: MYH11: BP4, BP7

Labcorp Genetics (formerly Invitae), Labcorp
Classification: Uncertain significance for Aortic aneurysm, familial thoracic 4. Last evaluated: 2018-08-30. Review status: criteria provided, single submitter. Criteria: Invitae Variant Classification Sherloc (09022015). Collection method: clinical testing. Allele origin: germline.
Comment: This sequence change affects codon 1176 of the MYH11 mRNA. It is a 'silent' change, meaning that it does not change the encoded amino acid sequence of the MYH11 protein. This variant is not present in population databases (ExAC no frequency). This variant has not been reported in the literature in individuals with MYH11-related disease. Algorithms developed to predict the effect of sequence changes on RNA splicing suggest that this variant is not likely to affect RNA splicing, but this prediction has not been confirmed by published transcriptional studies. In summary, the available evidence is currently insufficient to determine the role of this variant in disease. Therefore, it has been classified as a Variant of Uncertain Significance.

PreventionGenetics, part of Exact Sciences
Classification: Likely benign for MYH11-related condition. Last evaluated: 2024-02-21. Review status: no assertion criteria provided. Collection method: clinical testing. Allele origin: germline. Not counted in ClinVar's aggregate classification.
Comment: This variant is classified as likely benign based on ACMG/AMP sequence variant interpretation guidelines (Richards et al. 2015 PMID: 25741868, with internal and published modifications).